The following is an entry in ClinVar:

NM_001256627.2(BRSK2):c.1574TCA[1] (p.Ile526del)

Gene: BRSK2 (BR serine/threonine kinase 2; plus strand). Cytogenetic location: 11p15.5.
Variant type: Microsatellite.
Coding change: c.1574TCA[1] on transcript NM_001256627.2 (MANE Select); one copy of the 3-base unit TCA starting at c.1574; the reference has two copies in a row; one copy, 3 bases deleted.
Protein change: p.Ile526del; deletes isoleucine 526.
Molecular consequence: inframe deletion. On other transcripts: non-coding transcript variant (1).
Genome position (GRCh38, 1-based): chr11:1,454,517-1,454,519, TCA deleted; deleting any 3 consecutive bases within chr11:1,454,514-1,454,519 gives the same sequence; the position shown is the placement nearest the transcript's 3' end. VCF-style (leftmost placement, unchanged base first): chr11-1454513-TTCA-T. GRCh37 (hg19) VCF-style: chr11-1475743-TTCA-T.
Other names: c.1574TCA[1], p.Ile526del (NM_001256629.2, NM_003957.4); c.1712TCA[1], p.Ile572del (NM_001256630.1); c.1394TCA[1], p.Ile466del (NM_001282218.2); short protein forms I466del, I526del, I572del.
Identifiers: ClinVar variation 2136011 (VCV002136011.1), dbSNP rs1174643524, ClinGen allele CA673901736.

ClinVar aggregate classification (germline): Uncertain significance (1 of 4 stars; one submission).

Submission:

GeneDx
Classification: Uncertain significance. Last evaluated: 2022-07-20. Review status: criteria provided, single submitter. Criteria: GeneDx Variant Classification Process June 2021. Collection method: clinical testing. Allele origin: germline. Affected: yes.
Comment: Not observed at significant frequency in large population cohorts (gnomAD); In-frame deletion of 1 amino acids in a non-repeat region; In silico analysis supports a deleterious effect on protein structure/function; Has not been previously published as pathogenic or benign to our knowledge